The following is an entry in ClinVar:

ClinVar aggregate classification (germline): Uncertain significance (1 of 4 stars; one submission).

Conditions:
Charcot-Marie-Tooth disease dominant intermediate F. Identifiers: Orphanet 352670, MedGen C4749463, MONDO:0014074, OMIM 615185.

gnomAD v4.1: 2 of 1,614,164 alleles (0.00012%); highest among the groups gnomAD compares: Non-Finnish European, 0.000085%; no homozygotes.

Submission:

Labcorp Genetics (formerly Invitae), Labcorp
Classification: Uncertain significance for Charcot-Marie-Tooth disease dominant intermediate F. Last evaluated: 2025-12-03. Review status: criteria provided, single submitter. Criteria: Invitae Variant Classification Sherloc (09022015). Collection method: clinical testing. Allele origin: germline.
Comment: This sequence change replaces serine, which is neutral and polar, with asparagine, which is neutral and polar, at codon 189 of the GNB4 protein (p.Ser189Asn). This variant is present in population databases (rs766466679, gnomAD 0.002%). This variant has not been reported in the literature in individuals affected with GNB4-related conditions. Invitae Evidence Modeling of protein sequence and biophysical properties (such as structural, functional, and spatial information, amino acid conservation, physicochemical variation, residue mobility, and thermodynamic stability) indicates that this missense variant is not expected to disrupt GNB4 protein function with a negative predictive value of 95%. In summary, the available evidence is currently insufficient to determine the role of this variant in disease. Therefore, it has been classified as a Variant of Uncertain Significance.

NM_021629.4(GNB4):c.566G>A (p.Ser189Asn)

Gene: GNB4 (G protein subunit beta 4; minus strand). Cytogenetic location: 3q26.33.
Variant type: single nucleotide variant.
Coding change: c.566G>A on transcript NM_021629.4 (MANE Select); coding-DNA position 566, G replaced by A.
Protein change: p.Ser189Asn; replaces serine 189 with asparagine.
Molecular consequence: missense variant.
Genome position (GRCh38, 1-based): chr3:179,413,545, C>T on the plus strand (G>A on the coding strand, the complement: GNB4 is on the minus strand). VCF-style: chr3-179413545-C-T. GRCh37 (hg19) VCF-style: chr3-179131333-C-T.
Other names: short protein forms S189N.
Identifiers: ClinVar variation 4804193 (VCV004804193.1).
Genomic context (GRCh38, chr3:179,413,545, plus strand): 5'-TTGGAAGAGGCATCACAAGCACCAGAAACAAAAGTCCTCATGTCAGGACTCAAAGAAAGA[C>T]TCATCACATCTCCAGAATGCCCAGTGAATGTGGTGGTCTGCTGGGCAGTTTCGATGTCCC-3'
Protein context (NP_067642.1, residues 179-199): TFTGHSGDVM[Ser189Asn]LSLSPDMRTF